The following is an entry in ClinVar:

NM_000489.6(ATRX):c.570T>G (p.Pro190=)

Gene: ATRX (ATRX chromatin remodeler; minus strand). Cytogenetic location: Xq21.1.
Variant type: single nucleotide variant.
Coding change: c.570T>G on transcript NM_000489.6 (MANE Select); coding-DNA position 570, T replaced by G.
Protein change: p.Pro190=; no amino-acid change (proline 190 retained).
Molecular consequence: synonymous variant.
Genome position (GRCh38, 1-based): chrX:77,688,842, A>C on the plus strand (T>G on the coding strand, the complement: ATRX is on the minus strand). VCF-style: chrX-77688842-A-C. GRCh37 (hg19) VCF-style: chrX-76944335-A-C.
Other names: c.456T>G, p.Pro152= (NM_138270.5).
Identifiers: ClinVar variation 93142 (VCV000093142.32), dbSNP rs188831993, ClinGen allele CA220997.

ClinVar aggregate classification (germline): Benign/Likely benign. Review status: criteria provided, multiple submitters, no conflicts (2 of 4 stars). 7 submissions from 7 submitters: Benign (3); Likely benign (4). Last evaluated 2026-06-01.

Conditions:
Inborn genetic diseases. Identifiers: MedGen C0950123, MeSH D030342.
Acquired hemoglobin H disease (ATMDS). Also called: Alpha-thalassemia myelodysplasia syndrome, somatic; Alpha-thalassemia myelodysplasia syndrome; Alpha-thalassemia-myelodysplastic syndrome. Identifiers: Orphanet 231401, MedGen C0585216, MONDO:0010328, OMIM 300448.
Alpha thalassemia-X-linked intellectual disability syndrome (ATRX). Also called: ALPHA-THALASSEMIA/MENTAL RETARDATION SYNDROME, X-LINKED; ATR-X syndrome; Alpha thalassemia mental retardation syndrome, nondeletion type, X-linked; XLMR hypotonic face syndrome; ATR, NONDELETION TYPE; X-linked alpha-thalassemia-mental retardation syndrome. Identifiers: Orphanet 847, MedGen C1845055, MONDO:0010519, OMIM 301040.
Intellectual disability-hypotonic facies syndrome, X-linked, 1 (MRXHF1). Also called: Smith Fineman Myers syndrome 1; CHUDLEY-LOWRY SYNDROME; Chudley syndrome 1; Chudley-Lowry-Hoar syndrome; Carpenter-Waziri syndrome; XLMR-HYPOTONIC FACIES SYNDROME. Identifiers: Orphanet 73220, Orphanet 93970, Orphanet 93971, Orphanet 93972, Orphanet 93973, Orphanet 93974, Orphanet 93975, MedGen C4759781, MONDO:0010663, OMIM 309580.

Allele frequency attached by ClinVar (database versions not stated): gnomAD 0.00009; gnomAD exomes 0.00017 and 0.00086; 1000 Genomes Project 0.00026; TOPMed 0.00038; 1000 Genomes Project 30x 0.00042; ExAC 0.00089.
gnomAD v4.1: 192 of 1,205,934 alleles (0.016%); highest among the groups gnomAD compares: Admixed American, 0.41%; no homozygotes.

Submissions (7):

CeGaT Center for Human Genetics Tuebingen
Classification: Likely benign. Last evaluated: 2026-06-01. Review status: criteria provided, single submitter. Criteria: CeGaT Center For Human Genetics Tuebingen Variant Classification Criteria Version 2. Collection method: clinical testing. Allele origin: germline. Affected: yes. Observed: 4 variant alleles.
Comment: ATRX: BP4, BS2

Labcorp Genetics (formerly Invitae), Labcorp
Classification: Benign for Alpha thalassemia-X-linked intellectual disability syndrome. Last evaluated: 2026-02-02. Review status: criteria provided, single submitter. Criteria: Invitae Variant Classification Sherloc (09022015). Collection method: clinical testing. Allele origin: germline.

Blueprint Genetics
Classification: Likely benign. Last evaluated: 2024-03-14. Review status: criteria provided, single submitter. Criteria: ACMG Guidelines, 2015. Collection method: clinical testing. Allele origin: germline.

GeneDx
Classification: Benign. Last evaluated: 2019-07-15. Review status: criteria provided, single submitter. Criteria: GeneDx Variant Classification Process June 2021. Collection method: clinical testing. Allele origin: germline. Affected: yes.

Eurofins Ntd Llc (ga)
Classification: Benign. Last evaluated: 2016-11-16. Review status: criteria provided, single submitter. Criteria: EGL Classification Definitions 2015. Collection method: clinical testing. Allele origin: germline. Observed: 5 variant alleles, 4 heterozygotes, 1 hemizygote.

Ambry Genetics
Classification: Likely benign for Inborn genetic diseases. Last evaluated: 2016-04-08. Review status: criteria provided, single submitter. Criteria: Ambry Variant Classification Scheme 2023. Collection method: clinical testing. Allele origin: germline.

Center for Genomics, Ann and Robert H. Lurie Children's Hospital of Chicago
Classification: Likely benign for Alpha thalassemia-X-linked intellectual disability syndrome; Acquired hemoglobin H disease; Intellectual disability-hypotonic facies syndrome, X-linked, 1. Review status: criteria provided, single submitter. Criteria: ACMG Guidelines, 2015. Collection method: clinical testing. Allele origin: germline.
Comment: This variant has not been reported in the literature but is present in the Genome Aggregation Database (Highest reported MAF 0.08% (9/10567) including 5 hemizygotes. This variant is present in ClinVar, with several labs classifying this variant as Benign or Likely Benign (Variation ID:93142). Evolutionary conservation and computational predictive tools for this variant are limited or unavailable. In summary, data on this variant suggests that this variant does not cause disease but requires further evidence. Therefore, this variant is classified as likely benign